The following is an entry in ClinVar:

ClinVar aggregate classification (germline): Uncertain significance (1 of 4 stars; one submission).

Submission:

Ambry Genetics
Classification: Uncertain significance. Last evaluated: 2023-03-19. Review status: criteria provided, single submitter. Criteria: Ambry Variant Classification Scheme 2023. Collection method: clinical testing. Allele origin: germline.
Comment: The p.P989A variant (also known as c.2965C>G), located in coding exon 4 of the ALPK2 gene, results from a C to G substitution at nucleotide position 2965. The proline at codon 989 is replaced by alanine, an amino acid with highly similar properties. This amino acid position is conserved. In addition, this alteration is predicted to be tolerated by in silico analysis. Since supporting evidence is limited at this time, the clinical significance of this alteration remains unclear.

NM_052947.4(ALPK2):c.2965C>G (p.Pro989Ala)

Gene: ALPK2 (alpha kinase 2; minus strand). Cytogenetic location: 18q21.31.
Variant type: single nucleotide variant.
Coding change: c.2965C>G on transcript NM_052947.4 (MANE Select); coding-DNA position 2965, C replaced by G.
Protein change: p.Pro989Ala; replaces proline 989 with alanine.
Molecular consequence: missense variant.
Genome position (GRCh38, 1-based): chr18:58,537,222, G>C on the plus strand (C>G on the coding strand, the complement: ALPK2 is on the minus strand). VCF-style: chr18-58537222-G-C. GRCh37 (hg19) VCF-style: chr18-56204454-G-C.
Other names: short protein forms P989A.
Identifiers: ClinVar variation 2564040 (VCV002564040.2), dbSNP rs2518877045, ClinGen allele CA402569393.